The following is an entry in ClinVar:

ClinVar aggregate classification (germline): Likely pathogenic. Review status: criteria provided, multiple submitters, no conflicts (2 of 4 stars). 2 submissions from 2 submitters: Likely pathogenic (2). Last evaluated 2023-01-03.

Conditions:
Breast-ovarian cancer, familial, susceptibility to, 1 (BROVCA1). Also called: BRCA1 Hereditary Breast and Ovarian Cancer; OVARIAN CANCER, SUSCEPTIBILITY TO. Identifiers: Orphanet 145, MedGen C2676676, MONDO:0011450, OMIM 604370. Disease mechanism: loss of function.

Submissions (2):

Quest Diagnostics Nichols Institute San Juan Capistrano
Classification: Likely pathogenic. Last evaluated: 2023-01-03. Review status: criteria provided, single submitter. Criteria: Quest Diagnostics criteria. Collection method: clinical testing. Allele origin: unknown.
Comment: This nonsense variant is predicted to cause the premature termination of BRCA1 protein synthesis. The variant has not been reported in individuals with BRCA1-related diseases in the published literature. It also has not been reported in large, multi-ethnic general populations. Based on the available information, this variant is classified as likely pathogenic.

Baylor Genetics
Classification: Likely pathogenic for Breast-ovarian cancer, familial, susceptibility to, 1. Last evaluated: 2022-05-22. Review status: criteria provided, single submitter. Criteria: ACMG Guidelines, 2015. Collection method: clinical testing. Allele origin: unknown.

NM_007294.4(BRCA1):c.1015A>T (p.Lys339Ter)

Gene: BRCA1 (BRCA1 DNA repair associated; minus strand). Cytogenetic location: 17q21.31.
Variant type: single nucleotide variant.
Coding change: c.1015A>T on transcript NM_007294.4 (MANE Select); coding-DNA position 1015, A replaced by T.
Protein change: p.Lys339Ter; replaces lysine 339 with a stop codon.
Molecular consequence: nonsense. On other transcripts: intron variant (137).
Genome position (GRCh38, 1-based): chr17:43,094,516, T>A on the plus strand (A>T on the coding strand, the complement: BRCA1 is on the minus strand). VCF-style: chr17-43094516-T-A. GRCh37 (hg19) VCF-style: chr17-41246533-T-A.
Other names: c.802A>T, p.Lys268Ter (NM_001407571.1, NM_001407853.1, NM_001407894.1 and 9 more transcripts); c.1015A>T, p.Lys339Ter (NM_001407581.1, NM_001407582.1, NM_001407583.1 and 30 more transcripts); c.1012A>T, p.Lys338Ter (NM_001407587.1, NM_001407590.1, NM_001407591.1 and 22 more transcripts); c.937A>T, p.Lys313Ter (NM_001407658.1, NM_001407663.1, NM_001407653.1 and 4 more transcripts); c.934A>T, p.Lys312Ter (NM_001407659.1, NM_001407660.1, NM_001407661.1 and 1 more transcripts); c.892A>T, p.Lys298Ter (NM_001407664.1, NM_001407665.1, NM_001407666.1 and 19 more transcripts); c.889A>T, p.Lys297Ter (NM_001407685.1, NM_001407940.1, NM_001407941.1 and 11 more transcripts); c.874A>T, p.Lys292Ter (NM_001407697.1, NM_001407698.1, NM_001407724.1 and 29 more transcripts); and 40 more; short protein forms K339*, K292*, K171*, K227*, K228*, K271*, K250*, K251*.
Identifiers: ClinVar variation 2680230 (VCV002680230.2), dbSNP rs55842957, ClinGen allele CA10600029.
Genomic context (GRCh38, chr17:43,094,516, plus strand): 5'-GCAGTTTCTGCTTATTCCATTCTTTTCTCTCACACAGGGGATCAGCATTCAGATCTACCT[T>A]TTTTTCTGTGCTGGGAGTCCGCCTATCATTACATGTTTCCTTACTTCCAGCCCATCTGTT-3'